The following is an entry in ClinVar:

NM_001329943.3(KIAA0586):c.2977T>C (p.Phe993Leu)

Gene: KIAA0586 (KIAA0586; plus strand). Cytogenetic location: 14q23.1.
Variant type: single nucleotide variant.
Coding change: c.2977T>C on transcript NM_001329943.3 (MANE Select); coding-DNA position 2977, T replaced by C.
Protein change: p.Phe993Leu; replaces phenylalanine 993 with leucine.
Molecular consequence: missense variant.
Genome position (GRCh38, 1-based): chr14:58,482,545, T>C. VCF-style: chr14-58482545-T-C. GRCh37 (hg19) VCF-style: chr14-58949263-T-C.
Other names: c.3136T>C, p.Phe1046Leu (NM_001244189.2); c.2932T>C, p.Phe978Leu (NM_001244190.2); c.2722T>C, p.Phe908Leu (NM_001244191.2, NM_001329945.2, NM_001364700.1 and 1 more transcripts); c.2845T>C, p.Phe949Leu (NM_001244192.2); c.2557T>C, p.Phe853Leu (NM_001244193.2); c.2977T>C, p.Phe993Leu (NM_001329944.2, NM_001329946.2, NM_001329947.2); c.2749T>C, p.Phe917Leu (NM_014749.5); c.2749T>C (NM_014749.3); short protein forms F917L, F978L, F1046L, F853L, F949L, F993L, F908L.
Identifiers: ClinVar variation 2155441 (VCV002155441.5), dbSNP rs1354690928, ClinGen allele CA389879673.

ClinVar aggregate classification (germline): Uncertain significance. Review status: criteria provided, multiple submitters, no conflicts (2 of 4 stars). 2 submissions from 2 submitters: Uncertain significance (2). Last evaluated 2025-08-08.

Conditions:
Short-rib thoracic dysplasia 14 with polydactyly (SRTD14). Identifiers: Orphanet 397715, MedGen C4225286, MONDO:0014688, OMIM 616546.
Joubert syndrome 23 (JBTS23). Identifiers: Orphanet 475, MedGen C4084822, MONDO:0014664, OMIM 616490.
Inborn genetic diseases. Identifiers: MedGen C0950123, MeSH D030342.

Allele frequency attached by ClinVar (database versions not stated): gnomAD exomes 0.00001.
gnomAD v4.1: 19 of 1,560,070 alleles (0.0012%); highest among the groups gnomAD compares: Non-Finnish European, 0.0017%; no homozygotes.

Submissions (2):

Ambry Genetics
Classification: Uncertain significance for Inborn genetic diseases. Last evaluated: 2025-08-08. Review status: criteria provided, single submitter. Criteria: Ambry Variant Classification Scheme 2023. Collection method: clinical testing. Allele origin: germline.

Labcorp Genetics (formerly Invitae), Labcorp
Classification: Uncertain significance for Joubert syndrome 23; Short-rib thoracic dysplasia 14 with polydactyly. Last evaluated: 2024-10-22. Review status: criteria provided, single submitter. Criteria: Invitae Variant Classification Sherloc (09022015). Collection method: clinical testing. Allele origin: germline.
Comment: This sequence change replaces phenylalanine, which is neutral and non-polar, with leucine, which is neutral and non-polar, at codon 1046 of the KIAA0586 protein (p.Phe1046Leu). This variant is not present in population databases (gnomAD no frequency). This variant has not been reported in the literature in individuals affected with KIAA0586-related conditions. ClinVar contains an entry for this variant (Variation ID: 2155441). Invitae Evidence Modeling of protein sequence and biophysical properties (such as structural, functional, and spatial information, amino acid conservation, physicochemical variation, residue mobility, and thermodynamic stability) indicates that this missense variant is expected to disrupt KIAA0586 protein function with a positive predictive value of 80%. In summary, the available evidence is currently insufficient to determine the role of this variant in disease. Therefore, it has been classified as a Variant of Uncertain Significance.